The following is an entry in ClinVar:

ClinVar aggregate classification (germline): Likely benign (1 of 4 stars; one submission).

gnomAD v4.1: 3,712 of 1,602,040 alleles (0.23%); highest among the groups gnomAD compares: South Asian, 0.9%; 16 homozygotes.

Submission:

CeGaT Center for Human Genetics Tuebingen
Classification: Likely benign. Last evaluated: 2025-09-01. Review status: criteria provided, single submitter. Criteria: CeGaT Center For Human Genetics Tuebingen Variant Classification Criteria Version 2. Collection method: clinical testing. Allele origin: germline. Affected: yes. Observed: 1 variant allele.
Comment: NOC4L: BP4, BS2

NM_024078.3(NOC4L):c.164G>A (p.Arg55His)

Gene: NOC4L (nucleolar complex associated 4 homolog; plus strand). Cytogenetic location: 12q24.33.
Variant type: single nucleotide variant.
Coding change: c.164G>A on transcript NM_024078.3 (MANE Select); coding-DNA position 164, G replaced by A.
Protein change: p.Arg55His; replaces arginine 55 with histidine.
Molecular consequence: missense variant. On other transcripts: non-coding transcript variant (3), intron variant (1).
Genome position (GRCh38, 1-based): chr12:132,144,900, G>A. VCF-style: chr12-132144900-G-A. GRCh37 (hg19) VCF-style: chr12-132629445-G-A.
Other names: c.164G>A, p.Arg55His (NM_001414688.1, NM_001414689.1, NM_001414690.1 and 1 more transcripts); c.-36+295G>A (NM_001414692.1); short protein forms R55H.
Identifiers: ClinVar variation 4280798 (VCV004280798.7).